The following is an entry in ClinVar:

ClinVar aggregate classification (germline): Uncertain significance (1 of 4 stars; one submission).

Conditions:
HYPERHOMOCYSTEINEMIA, THROMBOTIC, CBS-RELATED. Identifiers: MedGen C3150344, OMIM 236200.

Allele frequency attached by ClinVar (database versions not stated): gnomAD exomes below 0.00001.
gnomAD v4.1: 1 of 445,464 alleles (0.00022%); highest among the groups gnomAD compares: Non-Finnish European, 0.00041%; no homozygotes.

Submission:

Labcorp Genetics (formerly Invitae), Labcorp
Classification: Uncertain significance for HYPERHOMOCYSTEINEMIA, THROMBOTIC, CBS-RELATED. Last evaluated: 2020-09-22. Review status: criteria provided, single submitter. Criteria: Invitae Variant Classification Sherloc (09022015). Collection method: clinical testing. Allele origin: germline.
Comment: In summary, the available evidence is currently insufficient to determine the role of this variant in disease. Therefore, it has been classified as a Variant of Uncertain Significance. Algorithms developed to predict the effect of missense changes on protein structure and function are either unavailable or do not agree on the potential impact of this missense change (SIFT: "Deleterious"; PolyPhen-2: "Probably Damaging"; Align-GVGD: "Class C0"). This variant has not been reported in the literature in individuals with CBS-related conditions. This variant is not present in population databases (ExAC no frequency). This sequence change replaces serine with cysteine at codon 199 of the CBS protein (p.Ser199Cys). The serine residue is highly conserved and there is a moderate physicochemical difference between serine and cysteine.

NM_000071.3(CBS):c.596C>G (p.Ser199Cys)

Gene: CBS (cystathionine beta-synthase; minus strand). Cytogenetic location: 21q22.3.
Variant type: single nucleotide variant.
Coding change: c.596C>G on transcript NM_000071.3 (MANE Select); coding-DNA position 596, C replaced by G.
Protein change: p.Ser199Cys; replaces serine 199 with cysteine.
Molecular consequence: missense variant.
Genome position (GRCh38, 1-based): chr21:43,065,457, G>C on the plus strand (C>G on the coding strand, the complement: CBS is on the minus strand). VCF-style: chr21-43065457-G-C. GRCh37 (hg19) VCF-style: chr21-44485567-G-C.
Other names: c.596C>G, p.Ser199Cys (NM_001178008.3, NM_001178009.3, NM_001320298.2); c.281C>G, p.Ser94Cys (NM_001321072.1); short protein forms S199C, S94C.
Identifiers: ClinVar variation 1014051 (VCV001014051.10), dbSNP rs1982554358, ClinGen allele CA410600991.